The following is an entry in ClinVar:

ClinVar aggregate classification (germline): Likely benign (1 of 4 stars; one submission).

Allele frequency attached by ClinVar (database versions not stated): TOPMed below 0.00001; gnomAD 0.00001; gnomAD exomes 0.00001.
gnomAD v4.1: 11 of 1,613,718 alleles (0.00068%); highest among the groups gnomAD compares: Admixed American, 0.005%; no homozygotes.

Submission:

CeGaT Center for Human Genetics Tuebingen
Classification: Likely benign. Last evaluated: 2022-04-01. Review status: criteria provided, single submitter. Criteria: CeGaT Center For Human Genetics Tuebingen Variant Classification Criteria Version 2. Collection method: clinical testing. Allele origin: germline. Affected: yes. Observed: 1 variant allele.
Comment: PIK3CG: BP4, BP7

NM_001282426.2(PIK3CG):c.2631A>G (p.Gly877=)

Gene: PIK3CG (phosphatidylinositol-4,5-bisphosphate 3-kinase catalytic subunit gamma; plus strand). Cytogenetic location: 7q22.3.
Variant type: single nucleotide variant.
Coding change: c.2631A>G on transcript NM_001282426.2 (MANE Select); coding-DNA position 2631, A replaced by G.
Protein change: p.Gly877=; no amino-acid change (glycine 877 retained).
Molecular consequence: synonymous variant.
Genome position (GRCh38, 1-based): chr7:106,883,034, A>G. VCF-style: chr7-106883034-A-G. GRCh37 (hg19) VCF-style: chr7-106523479-A-G.
Other names: c.2631A>G, p.Gly877= (NM_001282427.2, NM_002649.3).
Identifiers: ClinVar variation 2657926 (VCV002657926.24), dbSNP rs1363963116, ClinGen allele CA457076114.